The following is an entry in ClinVar:

ClinVar aggregate classification (germline): Uncertain significance (1 of 4 stars; one submission).

gnomAD v4.1: 9 of 1,613,818 alleles (0.00056%); highest among the groups gnomAD compares: Non-Finnish European, 0.00076%; no homozygotes.

Submission:

GeneDx
Classification: Uncertain significance. Last evaluated: 2025-07-17. Review status: criteria provided, single submitter. Criteria: GeneDx Variant Classification Process June 2021. Collection method: clinical testing. Allele origin: germline. Affected: yes.
Comment: Not observed at significant frequency in large population cohorts (gnomAD); In silico analysis supports that this missense variant has a deleterious effect on protein structure/function; Has not been previously published as pathogenic or benign to our knowledge

NM_001080.3(ALDH5A1):c.1550C>T (p.Ser517Phe)

Gene: ALDH5A1 (aldehyde dehydrogenase 5 family member A1; plus strand). Cytogenetic location: 6p22.3.
Variant type: single nucleotide variant.
Coding change: c.1550C>T on transcript NM_001080.3 (MANE Select); coding-DNA position 1550, C replaced by T.
Protein change: p.Ser517Phe; replaces serine 517 with phenylalanine.
Molecular consequence: missense variant.
Genome position (GRCh38, 1-based): chr6:24,533,654, C>T. VCF-style: chr6-24533654-C-T. GRCh37 (hg19) VCF-style: chr6-24533882-C-T.
Other names: c.1589C>T, p.Ser530Phe (NM_170740.1); c.1406C>T, p.Ser469Phe (NM_001368954.1); short protein forms S469F, S517F, S530F.
Identifiers: ClinVar variation 4686359 (VCV004686359.1).